The following is an entry in ClinVar:

NM_004006.3(DMD):c.9147_9148del (p.Gln3050fs)

Gene: DMD (dystrophin; minus strand). Cytogenetic location: Xp21.2.
Variant type: Microsatellite.
Coding change: c.9147_9148del on transcript NM_004006.3 (MANE Select); coding-DNA positions 9147 to 9148, 2 bases deleted (TC; older notation c.9147_9148delTC).
Protein change: p.Gln3050fs; shifts the reading frame from glutamine 3050.
Molecular consequence: frameshift variant.
Genome position (GRCh38, 1-based): chrX:31,348,571-31,348,572, GA deleted on the plus strand (TC on the coding strand, the reverse complement: DMD is on the minus strand); deleting any 2 consecutive bases within chrX:31,348,571-31,348,574 gives the same sequence; the c. name uses the placement nearest the transcript's 3' end. VCF-style (leftmost placement, unchanged base first): chrX-31348570-TGA-T. GRCh37 (hg19) VCF-style: chrX-31366687-TGA-T.
Other names: c.9123_9124del, p.Gln3042fs (NM_000109.4); c.9135_9136del, p.Gln3046fs (NM_004009.3); c.8778_8779del, p.Gln2927fs (NM_004010.3); c.5124_5125del, p.Gln1709fs (NM_004011.4); c.5115_5116del, p.Gln1706fs (NM_004012.4); c.1767_1768del, p.Gln590fs (NM_004013.3, NM_004020.4, NM_004021.3 and 2 more transcripts); c.960_961del, p.Gln321fs (NM_004014.3); short protein forms Q3042fs, Q590fs, Q2927fs, Q3050fs, Q1709fs, Q3046fs, Q1706fs, Q321fs.
Identifiers: ClinVar variation 2085596 (VCV002085596.4), dbSNP rs2521973024, ClinGen allele CA2579578838.

ClinVar aggregate classification (germline): Pathogenic (1 of 4 stars; one submission).

Conditions:
Duchenne muscular dystrophy (DMD). Also called: MUSCULAR DYSTROPHY, PSEUDOHYPERTROPHIC PROGRESSIVE, DUCHENNE TYPE; Duchenne Muscular Dystrophy (DMD). Identifiers: Orphanet 98896, MedGen C0013264, MONDO:0010679, OMIM 310200.

Submission:

Labcorp Genetics (formerly Invitae), Labcorp
Classification: Pathogenic for Duchenne muscular dystrophy. Last evaluated: 2022-08-16. Review status: criteria provided, single submitter. Criteria: Invitae Variant Classification Sherloc (09022015). Collection method: clinical testing. Allele origin: germline.
Comment: This sequence change creates a premature translational stop signal (p.Gln3050Alafs*47) in the DMD gene. It is expected to result in an absent or disrupted protein product. Loss-of-function variants in DMD are known to be pathogenic (PMID: 16770791, 25007885). This variant is not present in population databases (gnomAD no frequency). This variant has not been reported in the literature in individuals affected with DMD-related conditions. For these reasons, this variant has been classified as Pathogenic.

Literature cited by the submitters: PubMed 16770791; PubMed 25007885.